The following is an entry in ClinVar:

NM_153603.4(COG7):c.2195C>T (p.Thr732Ile)

Gene: COG7 (component of oligomeric golgi complex 7; minus strand). Cytogenetic location: 16p12.2.
Variant type: single nucleotide variant.
Coding change: c.2195C>T on transcript NM_153603.4 (MANE Select); coding-DNA position 2195, C replaced by T.
Protein change: p.Thr732Ile; replaces threonine 732 with isoleucine.
Molecular consequence: missense variant.
Genome position (GRCh38, 1-based): chr16:23,389,038, G>A on the plus strand (C>T on the coding strand, the complement: COG7 is on the minus strand). VCF-style: chr16-23389038-G-A. GRCh37 (hg19) VCF-style: chr16-23400359-G-A.
Other names: short protein forms T732I.
Identifiers: ClinVar variation 2112022 (VCV002112022.4), dbSNP rs763328829, ClinGen allele CA7960740.

ClinVar aggregate classification (germline): Uncertain significance (1 of 4 stars; one submission).

Conditions:
COG7 congenital disorder of glycosylation (CDG2E). Also called: CDG IIe; CONGENITAL DISORDER OF GLYCOSYLATION, TYPE IIe. Identifiers: Orphanet 79333, MedGen C2931010, MONDO:0012118, OMIM 608779.

Allele frequency attached by ClinVar (database versions not stated): ExAC 0.00001.
gnomAD v4.1: 2 of 1,614,058 alleles (0.00012%); highest among the groups gnomAD compares: South Asian, 0.0022%; no homozygotes.

Submission:

Labcorp Genetics (formerly Invitae), Labcorp
Classification: Uncertain significance for COG7 congenital disorder of glycosylation. Last evaluated: 2022-03-26. Review status: criteria provided, single submitter. Criteria: Invitae Variant Classification Sherloc (09022015). Collection method: clinical testing. Allele origin: germline.
Comment: This sequence change replaces threonine, which is neutral and polar, with isoleucine, which is neutral and non-polar, at codon 732 of the COG7 protein (p.Thr732Ile). In summary, the available evidence is currently insufficient to determine the role of this variant in disease. Therefore, it has been classified as a Variant of Uncertain Significance. Algorithms developed to predict the effect of missense changes on protein structure and function are either unavailable or do not agree on the potential impact of this missense change (SIFT: "Deleterious"; PolyPhen-2: "Benign"; Align-GVGD: "Class C0"). This variant has not been reported in the literature in individuals affected with COG7-related conditions. This variant is present in population databases (rs763328829, gnomAD 0.003%).